The following is an entry in ClinVar:

NC_000022.10:g.(?_42519405)_(42571594_?)del

Genes: CYP2D6 (cytochrome P450 family 2 subfamily D member 6; minus strand), TCF20 (transcription factor 20; minus strand). Cytogenetic location: 22q13.2.
Variant type: Deletion.
Identifiers: ClinVar variation 3248109 (VCV003248109.1).

ClinVar aggregate classification (germline): Pathogenic (1 of 4 stars; one submission).

Submission:

Labcorp Genetics (formerly Invitae), Labcorp
Classification: Pathogenic. Last evaluated: 2023-06-19. Review status: criteria provided, single submitter. Criteria: Invitae Variant Classification Sherloc (09022015). Collection method: clinical testing. Allele origin: unknown.
Comment: For these reasons, this variant has been classified as Pathogenic. This variant is a gross deletion of the genomic region encompassing exon(s) 4-6 of the TCF20 gene, which includes the termination codon. This deletion extends beyond the assayed region for this gene and therefore may encompass additional genes. While this deletion is not anticipated to lead to nonsense mediated decay, it is expected to alter mRNA translation or result in a truncated protein product. A similar copy number variant has been observed in individual(s) with TCF20-related conditions (Invitae). In at least one individual the variant was observed to be de novo.